The following is an entry in ClinVar:

ClinVar aggregate classification (germline): Uncertain significance (1 of 4 stars; one submission).

gnomAD v4.1: 12 of 1,550,172 alleles (0.00077%); highest among the groups gnomAD compares: Admixed American, 0.0059%; no homozygotes.

Submission:

Labcorp Genetics (formerly Invitae), Labcorp
Classification: Uncertain significance. Last evaluated: 2021-08-14. Review status: criteria provided, single submitter. Criteria: Invitae Variant Classification Sherloc (09022015). Collection method: clinical testing. Allele origin: germline.
Comment: This sequence change replaces proline with arginine at codon 824 of the ZNF469 protein (p.Pro824Arg). The proline residue is moderately conserved and there is a moderate physicochemical difference between proline and arginine. This variant is not present in population databases (ExAC no frequency). This variant has not been reported in the literature in individuals affected with ZNF469-related conditions. Algorithms developed to predict the effect of missense changes on protein structure and function are either unavailable or do not agree on the potential impact of this missense change (SIFT: "Deleterious"; PolyPhen-2: "Probably Damaging"; Align-GVGD: "Class C0"). In summary, the available evidence is currently insufficient to determine the role of this variant in disease. Therefore, it has been classified as a Variant of Uncertain Significance.

NM_001367624.2(ZNF469):c.2471C>G (p.Pro824Arg)

Gene: ZNF469 (zinc finger protein 469; plus strand). Cytogenetic location: 16q24.2.
Variant type: single nucleotide variant.
Coding change: c.2471C>G on transcript NM_001367624.2 (MANE Select); coding-DNA position 2471, C replaced by G.
Protein change: p.Pro824Arg; replaces proline 824 with arginine.
Molecular consequence: missense variant.
Genome position (GRCh38, 1-based): chr16:88,429,941, C>G. VCF-style: chr16-88429941-C-G. GRCh37 (hg19) VCF-style: chr16-88496349-C-G.
Other names: short protein forms P824R.
Identifiers: ClinVar variation 1514162 (VCV001514162.5), dbSNP rs920772556, ClinGen allele CA286373697.